The following is an entry in ClinVar:

NM_020919.4(ALS2):c.2580+2T>C

Gene: ALS2 (alsin Rho guanine nucleotide exchange factor ALS2; minus strand). Cytogenetic location: 2q33.1.
Variant type: single nucleotide variant.
Coding change: c.2580+2T>C on transcript NM_020919.4 (MANE Select); the canonical splice donor site of the intron after coding-DNA position 2580, T replaced by C.
Molecular consequence: splice donor variant.
Genome position (GRCh38, 1-based): chr2:201,733,274, A>G on the plus strand (T>C on the coding strand, the complement: ALS2 is on the minus strand). VCF-style: chr2-201733274-A-G. GRCh37 (hg19) VCF-style: chr2-202597997-A-G.
Other names: c.2580+2T>C (NM_001410975.1).
Identifiers: ClinVar variation 1693002 (VCV001693002.2), dbSNP rs2106023727, ClinGen allele CA350323935.
Genomic context (GRCh38, chr2:201,733,274, plus strand): 5'-CATACAAACAACTATGATCCTTGGCTTTCCAAATGTCCAAAGAGGTATACATGGGAGCTT[A>G]CCACTTCAAAACAAGTAGCAAGCTTTAGCAAAACTTTTGCGTAATTATGAAGTCGTCTGA-3'

ClinVar aggregate classification (germline): Pathogenic. Review status: criteria provided, multiple submitters, no conflicts (2 of 4 stars). 2 submissions from 2 submitters: Pathogenic (2). Last evaluated 2023-05-02.

Conditions:
Amyotrophic lateral sclerosis type 2, juvenile. Also called: Amyotrophic lateral sclerosis type 2; ALS, JUVENILE. Identifiers: Orphanet 300605, MedGen C1859807, MONDO:0008780, OMIM 205100.
Infantile-onset ascending hereditary spastic paralysis (IAHSP). Also called: Autosomal Recessive Juvenile Amyotrophic Lateral Sclerosis; Infantile-Onset Ascending Hereditary Spastic Paralysis (IAHSP). Identifiers: Orphanet 293168, MedGen C2931441, MONDO:0011797, OMIM 607225. Disease mechanism: loss of function.

Submissions (2):

Broad Center for Mendelian Genomics, Broad Institute of MIT and Harvard
Classification: Pathogenic for Amyotrophic lateral sclerosis type 2, juvenile. Last evaluated: 2023-05-02. Review status: criteria provided, single submitter. Criteria: ACMG Guidelines, 2015. Collection method: curation. Allele origin: germline. Inheritance: Autosomal recessive inheritance.
Comment: The c.2580+2T>C variant in ALS2 has been previously reported in two siblings with juvenile amyotrophic lateral sclerosis-2 (PMID: 23282280). This variant was absent from large population studies. This variant has also been reported in ClinVar (Variation ID: 1693002) and has been classified as pathogenic by the National Research Center Medical Molecular Genetics Department. This variant is located in the 5' splice region. Computational tools do suggest an impact to splicing. However, this information is not predictive enough to determine pathogenicity. Loss of function of the ALS2 gene is an established disease mechanism in autosomal recessive juvenile amyotrophic lateral sclerosis-2. In summary, this variant meets criteria to be classified as pathogenic for autosomal recessive juvenile amyotrophic lateral sclerosis-2. ACMG/AMP Criteria applied: PVS1, PM2_Supporting, PM3_Supporting (Richards 2015).

Medical Molecular Genetics Department, National Research Center
Classification: Pathogenic for Infantile-onset ascending hereditary spastic paralysis. Review status: criteria provided, single submitter. Criteria: ACMG Guidelines, 2015. Collection method: clinical testing. Allele origin: inherited. Affected: yes.